The following is an entry in ClinVar:

NM_001040108.2(MLH3):c.3710T>C (p.Ile1237Thr)

Gene: MLH3 (mutL homolog 3; minus strand). Cytogenetic location: 14q24.3.
Variant type: single nucleotide variant.
Coding change: c.3710T>C on transcript NM_001040108.2 (MANE Select); coding-DNA position 3710, T replaced by C.
Protein change: p.Ile1237Thr; replaces isoleucine 1237 with threonine.
Molecular consequence: missense variant. On other transcripts: intron variant (1).
Genome position (GRCh38, 1-based): chr14:75,033,424, A>G on the plus strand (T>C on the coding strand, the complement: MLH3 is on the minus strand). VCF-style: chr14-75033424-A-G. GRCh37 (hg19) VCF-style: chr14-75500127-A-G.
Other names: c.3644-1245T>C (NM_014381.3); short protein forms I1237T.
Identifiers: ClinVar variation 1734199 (VCV001734199.2), dbSNP rs1452108917, ClinGen allele CA390425257.
Genomic context (GRCh38, chr14:75,033,424, plus strand): 5'-TGTACTGATTCTGCTGGGAGTCTCAAATTTTTTCTGGCTGCAAACAGATCCTTACCAATG[A>G]TAAGCTGCTCCAGACGTATACGCTCATGGGCAGCGTGCTGATCCACCAGCACGAGCAGGT-3'
Protein context (NP_001035197.1, residues 1227-1247): AHERIRLEQL[Ile1237Thr]IDSYEKQQAQ

ClinVar aggregate classification (germline): Uncertain significance (1 of 4 stars; one submission).

Allele frequency attached by ClinVar (database versions not stated): TOPMed below 0.00001; gnomAD 0.00001.
gnomAD v4.1: 1 of 1,613,972 alleles (0.000062%); highest among the groups gnomAD compares: African/African-American, 0.0013%; no homozygotes.

Submission:

Ambry Genetics
Classification: Uncertain significance. Last evaluated: 2022-10-28. Review status: criteria provided, single submitter. Criteria: Ambry Variant Classification Scheme 2023. Collection method: clinical testing. Allele origin: germline.
Comment: The p.I1237T variant (also known as c.3710T>C), located in coding exon 6 of the MLH3 gene, results from a T to C substitution at nucleotide position 3710. The isoleucine at codon 1237 is replaced by threonine, an amino acid with similar properties. This amino acid position is conserved. In addition, this alteration is predicted to be tolerated by in silico analysis. Since supporting evidence is limited at this time, the clinical significance of this alteration remains unclear.